The following is an entry in ClinVar:

ClinVar aggregate classification (germline): Uncertain significance (1 of 4 stars; one submission).

gnomAD v4.1: 4 of 1,613,898 alleles (0.00025%); highest among the groups gnomAD compares: Non-Finnish European, 0.00034%; no homozygotes.

Submission:

Labcorp Genetics (formerly Invitae), Labcorp
Classification: Uncertain significance. Last evaluated: 2023-03-12. Review status: criteria provided, single submitter. Criteria: Invitae Variant Classification Sherloc (09022015). Collection method: clinical testing. Allele origin: germline.
Comment: In summary, the available evidence is currently insufficient to determine the role of this variant in disease. Therefore, it has been classified as a Variant of Uncertain Significance. Algorithms developed to predict the effect of sequence changes on RNA splicing suggest that this variant may create or strengthen a splice site. Advanced modeling of protein sequence and biophysical properties (such as structural, functional, and spatial information, amino acid conservation, physicochemical variation, residue mobility, and thermodynamic stability) performed at Invitae indicates that this missense variant is not expected to disrupt ITPR1 protein function. This variant has not been reported in the literature in individuals affected with ITPR1-related conditions. This variant is present in population databases (rs761431314, gnomAD 0.0009%). This sequence change replaces glycine, which is neutral and non-polar, with valine, which is neutral and non-polar, at codon 1720 of the ITPR1 protein (p.Gly1720Val).

NM_001378452.1(ITPR1):c.5348G>T (p.Gly1783Val)

Gene: ITPR1 (inositol 1,4,5-trisphosphate receptor type 1; plus strand). Cytogenetic location: 3p26.1.
Variant type: single nucleotide variant.
Coding change: c.5348G>T on transcript NM_001378452.1 (MANE Select); coding-DNA position 5348, G replaced by T.
Protein change: p.Gly1783Val; replaces glycine 1783 with valine.
Molecular consequence: missense variant.
Genome position (GRCh38, 1-based): chr3:4,733,215, G>T. VCF-style: chr3-4733215-G-T. GRCh37 (hg19) VCF-style: chr3-4774899-G-T.
Other names: c.5159G>T, p.Gly1720Val (NM_002222.7); c.5204G>T, p.Gly1735Val (NM_001099952.4); c.5303G>T, p.Gly1768Val (NM_001168272.2); short protein forms G1720V, G1735V, G1768V, G1783V.
Identifiers: ClinVar variation 2986083 (VCV002986083.3), dbSNP rs761431314, ClinGen allele CA2232290.